The following is an entry in ClinVar:

ClinVar aggregate classification (germline): Likely benign. Review status: criteria provided, single submitter (1 of 4 stars). 2 submissions from 2 submitters: Likely benign (1). 1 of the submissions does not count toward it. Last evaluated 2026-01-15.

Conditions:
CDT1-related disorder. Also called: CDT1-related condition.

Allele frequency attached by ClinVar (database versions not stated): gnomAD exomes below 0.00001 and 0.00002; ExAC 0.00002.
gnomAD v4.1: 6 of 1,612,566 alleles (0.00037%); highest among the groups gnomAD compares: Admixed American, 0.01%; no homozygotes.

Submissions (2):

Labcorp Genetics (formerly Invitae), Labcorp
Classification: Likely benign. Last evaluated: 2026-01-15. Review status: criteria provided, single submitter. Criteria: Invitae Variant Classification Sherloc (09022015). Collection method: clinical testing. Allele origin: germline.

PreventionGenetics, part of Exact Sciences
Classification: Likely benign for CDT1-related condition. Last evaluated: 2019-05-20. Review status: no assertion criteria provided. Collection method: clinical testing. Allele origin: germline. Not counted in ClinVar's aggregate classification.
Comment: This variant is classified as likely benign based on ACMG/AMP sequence variant interpretation guidelines (Richards et al. 2015 PMID: 25741868, with internal and published modifications).

NM_030928.4(CDT1):c.1206C>T (p.Thr402=)

Gene: CDT1 (chromatin licensing and DNA replication factor 1; plus strand). Cytogenetic location: 16q24.3.
Variant type: single nucleotide variant.
Coding change: c.1206C>T on transcript NM_030928.4 (MANE Select); coding-DNA position 1206, C replaced by T.
Protein change: p.Thr402=; no amino-acid change (threonine 402 retained).
Molecular consequence: synonymous variant.
Genome position (GRCh38, 1-based): chr16:88,807,134, C>T. VCF-style: chr16-88807134-C-T. GRCh37 (hg19) VCF-style: chr16-88873542-C-T.
Identifiers: ClinVar variation 747844 (VCV000747844.8), dbSNP rs764245837, ClinGen allele CA8234052.